The following is an entry in ClinVar:

NM_199420.4(POLQ):c.3305C>A (p.Ser1102Tyr)

Gene: POLQ (DNA polymerase theta; minus strand). Cytogenetic location: 3q13.33.
Variant type: single nucleotide variant.
Coding change: c.3305C>A on transcript NM_199420.4 (MANE Select); coding-DNA position 3305, C replaced by A.
Protein change: p.Ser1102Tyr; replaces serine 1102 with tyrosine.
Molecular consequence: missense variant.
Genome position (GRCh38, 1-based): chr3:121,489,626, G>T on the plus strand (C>A on the coding strand, the complement: POLQ is on the minus strand). VCF-style: chr3-121489626-G-T. GRCh37 (hg19) VCF-style: chr3-121208473-G-T.
Other names: short protein forms S1102Y.
Identifiers: ClinVar variation 1730020 (VCV001730020.3), dbSNP rs759797194, ClinGen allele CA2563080.
Genomic context (GRCh38, chr3:121,489,626, plus strand): 5'-CAATTTTGCTTTATTTGTAATGGGAATGATGTTTTATTATCTTTTTCCTTACCACTCAAA[G>T]ATACATTTTTAGCAAATGGCCCTGAATTTCTAAATTCCGTTTTCTTCTCATCTAAGGTAA-3'
Protein context (NP_955452.3, residues 1092-1112): RNSGPFAKNV[Ser1102Tyr]LSGKEKDNKT

ClinVar aggregate classification (germline): Uncertain significance (1 of 4 stars; one submission).

Allele frequency attached by ClinVar (database versions not stated): gnomAD 0.00001; ExAC 0.00002; TOPMed 0.00002; gnomAD exomes 0.00004.
gnomAD v4.1: 52 of 1,613,770 alleles (0.0032%); highest among the groups gnomAD compares: Non-Finnish European, 0.0044%; no homozygotes.

Submission:

Ambry Genetics
Classification: Uncertain significance. Last evaluated: 2023-07-08. Review status: criteria provided, single submitter. Criteria: Ambry Variant Classification Scheme 2023. Collection method: clinical testing. Allele origin: germline.
Comment: The p.S1102Y variant (also known as c.3305C>A), located in coding exon 16 of the POLQ gene, results from a C to A substitution at nucleotide position 3305. The serine at codon 1102 is replaced by tyrosine, an amino acid with dissimilar properties. This amino acid position is conserved. In addition, this alteration is predicted to be tolerated by in silico analysis. Since supporting evidence is limited at this time, the clinical significance of this alteration remains unclear.